The following is an entry in ClinVar:

NM_000637.5(GSR):c.954A>T (p.Pro318=)

Gene: GSR (glutathione-disulfide reductase; minus strand). Cytogenetic location: 8p12.
Variant type: single nucleotide variant.
Coding change: c.954A>T on transcript NM_000637.5 (MANE Select); coding-DNA position 954, A replaced by T.
Protein change: p.Pro318=; no amino-acid change (proline 318 retained).
Molecular consequence: synonymous variant. On other transcripts: intron variant (2).
Genome position (GRCh38, 1-based): chr8:30,689,248, T>A on the plus strand (A>T on the coding strand, the complement: GSR is on the minus strand). VCF-style: chr8-30689248-T-A. GRCh37 (hg19) VCF-style: chr8-30546765-T-A.
Other names: p.Pro318=; c.796-5049A>T (NM_001195104.3); c.882+3721A>T (NM_001195103.3); c.867A>T, p.Pro289= (NM_001195102.3); c.954A>T (NM_000637.3).
Identifiers: ClinVar variation 810271 (VCV000810271.50), dbSNP rs8191005, ClinGen allele CA4701330.
Genomic context (GRCh38, chr8:30,689,248, plus strand): 5'-ATTCGGGACCCGCCCAATGGCCCAGAGCAGGCAGTCAACATCTGGAATCATGGTCATGAC[T>A]GGTAGCCTACCGGGAACTGCAGTAACCATGCTGACTTCCAAGCCCGACAAAGTCTTTTTA-3'
Protein context (NP_000628.2, residues 308-328): SMVTAVPGRL[Pro318=]VMTMIPDVDC

ClinVar aggregate classification (germline): Benign/Likely benign. Review status: criteria provided, multiple submitters, no conflicts (2 of 4 stars). 7 submissions from 7 submitters: Benign (1); Likely benign (5). 1 of the submissions does not count toward it. Last evaluated 2025-12-31.

Conditions:
Hemolytic anemia due to glutathione reductase deficiency (CNSHA10). Also called: ANEMIA, CONGENITAL, NONSPHEROCYTIC HEMOLYTIC, 10. Identifiers: Orphanet 90030, MedGen C5231513, MONDO:0019531, OMIM 618660.
GSR-related disorder. Also called: GSR-related condition.

Allele frequency attached by ClinVar (database versions not stated): ESP Exome Variant Server 0.00046; TOPMed 0.00049; 1000 Genomes Project 30x 0.00187; 1000 Genomes Project 0.00200.
gnomAD v4.1: 1,741 of 1,613,754 alleles (0.11%); highest among the groups gnomAD compares: South Asian, 0.89%; 10 homozygotes.

Submissions (7):

Labcorp Genetics (formerly Invitae), Labcorp
Classification: Benign. Last evaluated: 2025-12-31. Review status: criteria provided, single submitter. Criteria: Invitae Variant Classification Sherloc (09022015). Collection method: clinical testing. Allele origin: germline.

Mayo Clinic Laboratories, Mayo Clinic
Classification: Likely benign. Last evaluated: 2025-10-14. Review status: criteria provided, single submitter. Criteria: ACMG Guidelines, 2015. Collection method: clinical testing. Allele origin: germline. Observed: 7 variant alleles.

Blueprint Genetics
Classification: Likely benign. Last evaluated: 2024-11-27. Review status: criteria provided, single submitter. Criteria: ACMG Guidelines, 2015. Collection method: clinical testing. Allele origin: germline.

ARUP Laboratories, Molecular Genetics and Genomics, ARUP Laboratories
Classification: Likely benign for Hemolytic anemia due to glutathione reductase deficiency. Last evaluated: 2024-05-31. Review status: criteria provided, single submitter. Criteria: ARUP Molecular Germline Variant Investigation Process 2024. Collection method: clinical testing. Allele origin: germline.

CeGaT Center for Human Genetics Tuebingen
Classification: Likely benign. Last evaluated: 2022-07-01. Review status: criteria provided, single submitter. Criteria: CeGaT Center For Human Genetics Tuebingen Variant Classification Criteria Version 2. Collection method: clinical testing. Allele origin: germline. Affected: yes. Observed: 2 variant alleles.
Comment: GSR: BP4, BP7

Breakthrough Genomics
Classification: Likely benign. Review status: criteria provided, single submitter. Criteria: ACMG Guidelines, 2015. Collection method: not provided. Allele origin: germline. Inheritance: Autosomal recessive inheritance. Affected: yes.

PreventionGenetics, part of Exact Sciences
Classification: Likely benign for GSR-related condition. Last evaluated: 2019-06-27. Review status: no assertion criteria provided. Collection method: clinical testing. Allele origin: germline. Not counted in ClinVar's aggregate classification.
Comment: This variant is classified as likely benign based on ACMG/AMP sequence variant interpretation guidelines (Richards et al. 2015 PMID: 25741868, with internal and published modifications).